The following is an entry in ClinVar:

ClinVar aggregate classification (germline): Uncertain significance. Review status: criteria provided, multiple submitters, no conflicts (2 of 4 stars). 4 submissions from 4 submitters: Uncertain significance (4). Last evaluated 2025-08-04.

Conditions:
RYR1-related disorder. Also called: RYR1-related condition; RYR1-related disorders. Identifiers: MedGen CN239331.
Malignant hyperthermia, susceptibility to, 1 (MHS1). Also called: Malignant hyperthermia suceptibility 1; Anesthesia related hyperthermia; Malignant hyperpyrexia; Fulminating hyperpyrexia; Pharmacogenic myopathy; RYR1-Related Malignant Hyperthermia Susceptibility. Identifiers: Orphanet 423, MedGen C2930980, MONDO:0007783, OMIM 145600.

Allele frequency attached by ClinVar (database versions not stated): gnomAD exomes below 0.00001 and 0.00001; TOPMed below 0.00001; ExAC 0.00001.
gnomAD v4.1: 8 of 1,614,088 alleles (0.0005%); highest among the groups gnomAD compares: Non-Finnish European, 0.00068%; no homozygotes.

Submissions (4):

Color Diagnostics, LLC DBA Color Health
Classification: Uncertain significance for Malignant hyperthermia, susceptibility to, 1. Last evaluated: 2025-08-04. Review status: criteria provided, single submitter. Criteria: ACMG Guidelines, 2015. Collection method: clinical testing. Allele origin: germline.
Comment: This missense variant replaces valine with isoleucine at codon 2298 of the RYR1 protein. Computational prediction is inconclusive regarding the impact of this variant on protein structure and function. To our knowledge, functional studies have not been reported for this variant. This variant has not been reported in individuals affected with RYR1-related disorders in the literature. This variant has been identified in 1/250896 chromosomes in the general population by the Genome Aggregation Database (gnomAD). The available evidence is insufficient to determine the role of this variant in disease conclusively. Therefore, this variant is classified as a Variant of Uncertain Significance.

Blueprint Genetics
Classification: Uncertain significance. Last evaluated: 2024-06-07. Review status: criteria provided, single submitter. Criteria: ACMG Guidelines, 2015. Collection method: clinical testing. Allele origin: germline.

All of Us Research Program, National Institutes of Health
Classification: Uncertain significance for Malignant hyperthermia, susceptibility to, 1. Last evaluated: 2023-08-15. Review status: criteria provided, single submitter. Criteria: ACMG Guidelines, 2015. Collection method: clinical testing. Allele origin: germline. Inheritance: Autosomal dominant inheritance. Observed: 3 variant alleles, 3 heterozygotes.
Comment: This missense variant replaces valine with isoleucine at codon 2298 of the RYR1 protein. Computational prediction is inconclusive regarding the impact of this variant on protein structure and function (internally defined REVEL score threshold 0.5 < inconclusive < 0.7, PMID: 27666373). To our knowledge, functional studies have not been reported for this variant. This variant has not been reported in individuals affected with RYR1-related disorders in the literature. This variant has been identified in 1/250896 chromosomes in the general population by the Genome Aggregation Database (gnomAD). The available evidence is insufficient to determine the role of this variant in disease conclusively. Therefore, this variant is classified as a Variant of Uncertain Significance.

This study involves interpretation of variants in research participants for the purpose of population health screening. Participant phenotype was not available at the time of variant classification. Additional details can be found in publication PMID: 35346344, PMCID: PMC8962531

Labcorp Genetics (formerly Invitae), Labcorp
Classification: Uncertain significance for RYR1-related disorder. Last evaluated: 2021-09-24. Review status: criteria provided, single submitter. Criteria: Invitae Variant Classification Sherloc (09022015). Collection method: clinical testing. Allele origin: germline.
Comment: This sequence change replaces valine with isoleucine at codon 2298 of the RYR1 protein (p.Val2298Ile). The valine residue is highly conserved and there is a small physicochemical difference between valine and isoleucine. This variant is present in population databases (rs761654671, ExAC 0.002%). This variant has not been reported in the literature in individuals with RYR1-related disease. Algorithms developed to predict the effect of missense changes on protein structure and function do not agree on the potential impact of this missense change (SIFT: "Deleterious"; PolyPhen-2: "Benign"; Align-GVGD: "Class C0"). In summary, the available evidence is currently insufficient to determine the role of this variant in disease. Therefore, it has been classified as a Variant of Uncertain Significance.

NM_000540.3(RYR1):c.6892G>A (p.Val2298Ile)

Gene: RYR1 (ryanodine receptor 1; plus strand). Cytogenetic location: 19q13.2.
Variant type: single nucleotide variant.
Coding change: c.6892G>A on transcript NM_000540.3 (MANE Select); coding-DNA position 6892, G replaced by A.
Protein change: p.Val2298Ile; replaces valine 2298 with isoleucine.
Molecular consequence: missense variant.
Genome position (GRCh38, 1-based): chr19:38,499,108, G>A. VCF-style: chr19-38499108-G-A. GRCh37 (hg19) VCF-style: chr19-38989748-G-A.
Other names: c.6892G>A, p.Val2298Ile (NM_001042723.2); short protein forms V2298I.
Identifiers: ClinVar variation 1405438 (VCV001405438.8), dbSNP rs761654671, ClinGen allele CA068911.